The following is an entry in ClinVar:

NM_001277115.2(DNAH11):c.10569-2A>G

Gene: DNAH11 (dynein axonemal heavy chain 11; plus strand). Cytogenetic location: 7p15.3.
Variant type: single nucleotide variant.
Coding change: c.10569-2A>G on transcript NM_001277115.2 (MANE Select); the canonical splice acceptor site of the intron before coding-DNA position 10569, A replaced by G.
Molecular consequence: splice acceptor variant.
Genome position (GRCh38, 1-based): chr7:21,818,215, A>G. VCF-style: chr7-21818215-A-G. GRCh37 (hg19) VCF-style: chr7-21857833-A-G.
Identifiers: ClinVar variation 1810169 (VCV001810169.6), dbSNP rs867382922, ClinGen allele CA155123096.

ClinVar aggregate classification (germline): Likely pathogenic. Review status: criteria provided, multiple submitters, no conflicts (2 of 4 stars). 2 submissions from 2 submitters: Likely pathogenic (2). Last evaluated 2025-11-19.

Conditions:
Primary ciliary dyskinesia. Also called: Ciliary dyskinesia. Identifiers: Orphanet 244, MedGen C0008780, MONDO:0016575, HP:0012265.

Allele frequency attached by ClinVar (database versions not stated): gnomAD 0.00001; gnomAD exomes 0.00001; TOPMed 0.00001.
gnomAD v4.1: 9 of 1,608,004 alleles (0.00056%); highest among the groups gnomAD compares: Non-Finnish European, 0.00076%; no homozygotes.

Submissions (2):

Labcorp Genetics (formerly Invitae), Labcorp
Classification: Likely pathogenic for Primary ciliary dyskinesia. Last evaluated: 2025-11-19. Review status: criteria provided, single submitter. Criteria: Invitae Variant Classification Sherloc (09022015). Collection method: clinical testing. Allele origin: germline.
Comment: This sequence change affects an acceptor splice site in intron 64 of the DNAH11 gene. It is expected to disrupt RNA splicing. Variants that disrupt the donor or acceptor splice site typically lead to a loss of protein function (PMID: 16199547), and loss-of-function variants in DNAH11 are known to be pathogenic (PMID: 18022865, 20513915, 22184204). This variant is not present in population databases (gnomAD no frequency). Disruption of this splice site has been observed in individual(s) with clinical features of primary ciliary dyskinesia (PMID: 33131162). ClinVar contains an entry for this variant (Variation ID: 1810169). Algorithms developed to predict the effect of sequence changes on RNA splicing suggest that this variant may disrupt the consensus splice site. In summary, the currently available evidence indicates that the variant is pathogenic, but additional data are needed to prove that conclusively. Therefore, this variant has been classified as Likely Pathogenic.

GeneDx
Classification: Likely pathogenic. Last evaluated: 2023-09-23. Review status: criteria provided, single submitter. Criteria: GeneDx Variant Classification Process June 2021. Collection method: clinical testing. Allele origin: germline. Affected: yes.
Comment: Reported in a patient with a complex congenital heart defect and heterotaxy who also harbors a missense variant in the DNAH11 gene in trans (Liu et al., 2020); Not observed at significant frequency in large population cohorts (gnomAD); Canonical splice site variant predicted to result in a null allele in a gene for which loss of function is a known mechanism of disease; This variant is associated with the following publications: (PMID: 33131162)

Literature cited by the submitters: PubMed 16199547 (cited by Labcorp Genetics (formerly Invitae), Labcorp); PubMed 18022865 (cited by Labcorp Genetics (formerly Invitae), Labcorp); PubMed 20513915 (cited by Labcorp Genetics (formerly Invitae), Labcorp); PubMed 22184204 (cited by Labcorp Genetics (formerly Invitae), Labcorp); PubMed 33131162 (cited by Labcorp Genetics (formerly Invitae), Labcorp).